The following is an entry in ClinVar:

NM_001278669.2(NFATC1):c.2383G>A (p.Gly795Arg)

Gene: NFATC1 (nuclear factor of activated T cells 1; plus strand). Cytogenetic location: 18q23.
Variant type: single nucleotide variant.
Coding change: c.2383G>A on transcript NM_001278669.2 (MANE Select); coding-DNA position 2383, G replaced by A.
Protein change: p.Gly795Arg; replaces glycine 795 with arginine.
Molecular consequence: missense variant. On other transcripts: intron variant (2).
Genome position (GRCh38, 1-based): chr18:79,486,538, G>A. VCF-style: chr18-79486538-G-A. GRCh37 (hg19) VCF-style: chr18-77246538-G-A.
Other names: c.2383G>A (NM_001278669.1); c.967G>A, p.Gly323Arg (NM_001278673.2, NM_172388.3); c.2383G>A, p.Gly795Arg (NM_006162.5); c.2344G>A, p.Gly782Arg (NM_172387.3, NM_172389.3); c.2092+18956G>A (NM_001278670.2); c.2053+18956G>A (NM_001278672.2); short protein forms G323R, G782R, G795R.
Identifiers: ClinVar variation 1600611 (VCV001600611.33), dbSNP rs56191735, ClinGen allele CA9009618.

ClinVar aggregate classification (germline): Benign/Likely benign. Review status: criteria provided, multiple submitters, no conflicts (2 of 4 stars). 4 submissions from 4 submitters: Benign (2); Likely benign (1). 1 of the submissions does not count toward it. Last evaluated 2025-12-03.

Conditions:
NFATC1-related disorder. Also called: NFATC1-related condition.

Allele frequency attached by ClinVar (database versions not stated): 1000 Genomes Project 30x 0.00172; 1000 Genomes Project 0.00220; TOPMed 0.00237; ESP Exome Variant Server 0.00294; gnomAD 0.00303 and 0.00310; gnomAD exomes 0.00312 and 0.00384; ExAC 0.00377.
gnomAD v4.1: 5,994 of 1,597,574 alleles (0.38%); highest among the groups gnomAD compares: Non-Finnish European, 0.43%; 18 homozygotes.

Submissions (4):

Labcorp Genetics (formerly Invitae), Labcorp
Classification: Benign. Last evaluated: 2025-12-03. Review status: criteria provided, single submitter. Criteria: Invitae Variant Classification Sherloc (09022015). Collection method: clinical testing. Allele origin: germline.

CeGaT Center for Human Genetics Tuebingen
Classification: Likely benign. Last evaluated: 2024-11-01. Review status: criteria provided, single submitter. Criteria: CeGaT Center For Human Genetics Tuebingen Variant Classification Criteria Version 2. Collection method: clinical testing. Allele origin: germline. Affected: yes. Observed: 6 variant alleles.
Comment: NFATC1: BP4, BS2

Breakthrough Genomics
Classification: Benign. Review status: criteria provided, single submitter. Criteria: ACMG Guidelines, 2015. Collection method: not provided. Allele origin: germline. Inheritance: Unknown mechanism. Affected: yes.

PreventionGenetics, part of Exact Sciences
Classification: Benign for NFATC1-related condition. Last evaluated: 2019-07-23. Review status: no assertion criteria provided. Collection method: clinical testing. Allele origin: germline. Not counted in ClinVar's aggregate classification.
Comment: This variant is classified as benign based on ACMG/AMP sequence variant interpretation guidelines (Richards et al. 2015 PMID: 25741868, with internal and published modifications).